The following is an entry in ClinVar:

NM_002900.3(RBP3):c.2140C>T (p.Pro714Ser)

Gene: RBP3 (retinol binding protein 3; plus strand). Cytogenetic location: 10q11.22.
Variant type: single nucleotide variant.
Coding change: c.2140C>T on transcript NM_002900.3 (MANE Select); coding-DNA position 2140, C replaced by T.
Protein change: p.Pro714Ser; replaces proline 714 with serine.
Molecular consequence: missense variant.
Genome position (GRCh38, 1-based): chr10:47,350,624, C>T. VCF-style: chr10-47350624-C-T. GRCh37 (hg19) VCF-style: chr10-48388738-G-A.
Other names: short protein forms P714S.
Identifiers: ClinVar variation 1439730 (VCV001439730.8), dbSNP rs199522516, ClinGen allele CA376672143.

ClinVar aggregate classification (germline): Uncertain significance (1 of 4 stars; one submission).

Submission:

Labcorp Genetics (formerly Invitae), Labcorp
Classification: Uncertain significance. Last evaluated: 2023-07-17. Review status: criteria provided, single submitter. Criteria: Invitae Variant Classification Sherloc (09022015). Collection method: clinical testing. Allele origin: germline.
Comment: In summary, the available evidence is currently insufficient to determine the role of this variant in disease. Therefore, it has been classified as a Variant of Uncertain Significance. Algorithms developed to predict the effect of missense changes on protein structure and function output the following: SIFT: "Not Available"; PolyPhen-2: "Possibly Damaging"; Align-GVGD: "Not Available". The serine amino acid residue is found in multiple mammalian species, which suggests that this missense change does not adversely affect protein function. ClinVar contains an entry for this variant (Variation ID: 1439730). This variant has not been reported in the literature in individuals affected with RBP3-related conditions. This variant is not present in population databases (gnomAD no frequency). This sequence change replaces proline, which is neutral and non-polar, with serine, which is neutral and polar, at codon 714 of the RBP3 protein (p.Pro714Ser).